The following is an entry in ClinVar:

NM_025114.4(CEP290):c.7311G>T (p.Lys2437Asn)

Genes: RLIG1 (RNA 5'-phosphate and 3'-OH ligase 1; plus strand), CEP290 (centrosomal protein 290; minus strand). Cytogenetic location: 12q21.32.
Variant type: single nucleotide variant.
Coding change: c.7311G>T on transcript NM_025114.4 (MANE Select); coding-DNA position 7311, G replaced by T.
Protein change: p.Lys2437Asn; replaces lysine 2437 with asparagine.
Molecular consequence: missense variant. On other transcripts: 3 prime UTR variant (1).
Genome position (GRCh38, 1-based): chr12:88,049,313, C>A on the plus strand (G>T on the coding strand, the complement: CEP290 is on the minus strand). VCF-style: chr12-88049313-C-A. GRCh37 (hg19) VCF-style: chr12-88443090-C-A.
Other names: c.*891C>A (NM_001009894.3); short protein forms K2437N.
Identifiers: ClinVar variation 530915 (VCV000530915.7), dbSNP rs534440681, ClinGen allele CA6711296.

ClinVar aggregate classification (germline): Uncertain significance. Review status: criteria provided, multiple submitters, no conflicts (2 of 4 stars). 5 submissions from 5 submitters: Uncertain significance (3). 2 of the submissions do not count toward it. Last evaluated 2025-03-27.

Conditions:
Meckel-Gruber syndrome. Also called: DYSENCEPHALIA SPLANCHNOCYSTICA; GRUBER SYNDROME; Dysencephalia splachnocystica. Identifiers: Orphanet 564, MedGen C0265215, MONDO:0018921.
Joubert syndrome. Also called: CEREBELLOPARENCHYMAL DISORDER IV; JOUBERT-BOLTSHAUSER SYNDROME; Familial aplasia of the vermis. Identifiers: Orphanet 475, MedGen C5979921, MONDO:0018772.
Nephronophthisis. Also called: Juvenile Nephronophthisis. Identifiers: Orphanet 655, MedGen C0687120, MONDO:0019005, HP:0000090.
Senior-Loken syndrome 6 (SLSN6). Identifiers: Orphanet 3156, MedGen C1857779, MONDO:0012433, OMIM 610189.
Bardet-Biedl syndrome 14 (BBS14). Identifiers: Orphanet 110, MedGen C2673874, MONDO:0014442, OMIM 615991.
Leber congenital amaurosis 10 (LCA10). Identifiers: Orphanet 65, MedGen C1857821, MONDO:0012723, OMIM 611755.
Meckel syndrome, type 4 (MKS4). Also called: MECKEL-GRUBER SYNDROME, TYPE 4. Identifiers: Orphanet 564, MedGen C1970161, MONDO:0012626, OMIM 611134.
Joubert syndrome 5 (JBTS5). Identifiers: Orphanet 2318, MedGen C1857780, MONDO:0012432, OMIM 610188.
CEP290-related disorder. Also called: CEP290-related condition; CEP290-related disorders. Identifiers: MedGen CN239314.
Inborn genetic diseases. Identifiers: MedGen C0950123, MeSH D030342.
Leber congenital amaurosis (LCA). Also called: Leber's amaurosis. Identifiers: Orphanet 65, MedGen C0339527, MeSH D057130, MONDO:0018998.

Allele frequency attached by ClinVar (database versions not stated): TOPMed below 0.00001; gnomAD 0.00001; gnomAD exomes 0.00001; ExAC 0.00002; 1000 Genomes Project 0.00020.
gnomAD v4.1: 13 of 1,581,564 alleles (0.00082%); highest among the groups gnomAD compares: East Asian, 0.009%; no homozygotes.

Submissions (5):

Ambry Genetics
Classification: Uncertain significance for Inborn genetic diseases. Last evaluated: 2025-03-27. Review status: criteria provided, single submitter. Criteria: Ambry Variant Classification Scheme 2023. Collection method: clinical testing. Allele origin: germline.

Fulgent Genetics
Classification: Uncertain significance for Joubert syndrome 5; Senior-Loken syndrome 6; Meckel syndrome, type 4; Leber congenital amaurosis 10; Bardet-Biedl syndrome 14. Last evaluated: 2024-02-23. Review status: criteria provided, single submitter. Criteria: ACMG Guidelines, 2015. Collection method: clinical testing. Allele origin: germline.

Labcorp Genetics (formerly Invitae), Labcorp
Classification: Uncertain significance for Joubert syndrome; Meckel-Gruber syndrome; Nephronophthisis. Last evaluated: 2022-02-03. Review status: criteria provided, single submitter. Criteria: Invitae Variant Classification Sherloc (09022015). Collection method: clinical testing. Allele origin: germline.
Comment: This sequence change replaces lysine, which is basic and polar, with asparagine, which is neutral and polar, at codon 2437 of the CEP290 protein (p.Lys2437Asn). This variant is present in population databases (rs534440681, gnomAD 0.01%). This variant has not been reported in the literature in individuals affected with CEP290-related conditions. ClinVar contains an entry for this variant (Variation ID: 530915). Algorithms developed to predict the effect of missense changes on protein structure and function are either unavailable or do not agree on the potential impact of this missense change (SIFT: "Deleterious"; PolyPhen-2: "Probably Damaging"; Align-GVGD: "Class C0"). In summary, the available evidence is currently insufficient to determine the role of this variant in disease. Therefore, it has been classified as a Variant of Uncertain Significance.

PreventionGenetics, part of Exact Sciences
Classification: Uncertain significance for CEP290-related condition. Last evaluated: 2024-07-22. Review status: no assertion criteria provided. Collection method: clinical testing. Allele origin: germline. Not counted in ClinVar's aggregate classification.
Comment: The CEP290 c.7311G>T variant is predicted to result in the amino acid substitution p.Lys2437Asn. To our knowledge, this variant has not been reported in the literature. This variant is reported in 0.011% of alleles in individuals of East Asian descent in gnomAD. At this time, the clinical significance of this variant is uncertain due to the absence of conclusive functional and genetic evidence.

Natera, Inc.
Classification: Uncertain significance for Leber congenital amaurosis. Last evaluated: 2019-10-28. Review status: no assertion criteria provided. Collection method: clinical testing. Allele origin: germline. Not counted in ClinVar's aggregate classification.